The following is an entry in ClinVar:

ClinVar aggregate classification (germline): Uncertain significance. Review status: criteria provided, multiple submitters, no conflicts (2 of 4 stars). 2 submissions from 2 submitters: Uncertain significance (2). Last evaluated 2025-06-12.

Conditions:
Inborn genetic diseases. Identifiers: MedGen C0950123, MeSH D030342.

Allele frequency attached by ClinVar (database versions not stated): gnomAD 0.00016; ExAC 0.00023; TOPMed 0.00023.
gnomAD v4.1: 204 of 1,587,846 alleles (0.013%); highest among the groups gnomAD compares: Middle Eastern, 0.11%; no homozygotes.

Submissions (2):

Labcorp Genetics (formerly Invitae), Labcorp
Classification: Uncertain significance. Last evaluated: 2025-06-12. Review status: criteria provided, single submitter. Criteria: Invitae Variant Classification Sherloc (09022015). Collection method: clinical testing. Allele origin: germline.
Comment: This sequence change replaces valine, which is neutral and non-polar, with isoleucine, which is neutral and non-polar, at codon 34 of the KRT14 protein (p.Val34Ile). This variant is present in population databases (rs762702328, gnomAD 0.03%). This variant has not been reported in the literature in individuals affected with KRT14-related conditions. ClinVar contains an entry for this variant (Variation ID: 2053524). Invitae Evidence Modeling of protein sequence and biophysical properties (such as structural, functional, and spatial information, amino acid conservation, physicochemical variation, residue mobility, and thermodynamic stability) indicates that this missense variant is not expected to disrupt KRT14 protein function with a negative predictive value of 80%. In summary, the available evidence is currently insufficient to determine the role of this variant in disease. Therefore, it has been classified as a Variant of Uncertain Significance.

Ambry Genetics
Classification: Uncertain significance for Inborn genetic diseases. Last evaluated: 2021-07-15. Review status: criteria provided, single submitter. Criteria: Ambry Variant Classification Scheme 2023. Collection method: clinical testing. Allele origin: germline.

NM_000526.5(KRT14):c.100G>A (p.Val34Ile)

Gene: KRT14 (keratin 14; minus strand). Cytogenetic location: 17q21.2.
Variant type: single nucleotide variant.
Coding change: c.100G>A on transcript NM_000526.5 (MANE Select); coding-DNA position 100, G replaced by A.
Protein change: p.Val34Ile; replaces valine 34 with isoleucine.
Molecular consequence: missense variant.
Genome position (GRCh38, 1-based): chr17:41,586,735, C>T on the plus strand (G>A on the coding strand, the complement: KRT14 is on the minus strand). VCF-style: chr17-41586735-C-T. GRCh37 (hg19) VCF-style: chr17-39742987-C-T.
Other names: short protein forms V34I.
Identifiers: ClinVar variation 2053524 (VCV002053524.5), dbSNP rs762702328, ClinGen allele CA8562819.
Genomic context (GRCh38, chr17:41,586,735, plus strand): 5'-ATGAGACAGACAGGCCGCCCCCGTAGGTGCTGGGGGCGCGGCAGGACCCTCCGGCCAGGA[C>T]GGAGGAGATGCGGCTGGAGCCGCCCCCGATGCCGCCCCCGATGCCGCAGGAGCCCTTCAT-3'
Protein context (NP_000517.3, residues 24-44): IGGGSSRISS[Val34Ile]LAGGSCRAPS